The following is an entry in ClinVar:

NM_000098.3(CPT2):c.878G>A (p.Ser293Asn)

Gene: CPT2 (carnitine palmitoyltransferase 2; plus strand). Cytogenetic location: 1p32.3.
Variant type: single nucleotide variant.
Coding change: c.878G>A on transcript NM_000098.3 (MANE Select); coding-DNA position 878, G replaced by A.
Protein change: p.Ser293Asn; replaces serine 293 with asparagine.
Molecular consequence: missense variant.
Genome position (GRCh38, 1-based): chr1:53,210,552, G>A. VCF-style: chr1-53210552-G-A. GRCh37 (hg19) VCF-style: chr1-53676224-G-A.
Other names: c.878G>A, p.Ser293Asn (NM_001330589.2); short protein forms S293N.
Identifiers: ClinVar variation 1721974 (VCV001721974.5), dbSNP rs774859940, ClinGen allele CA859068.
Genomic context (GRCh38, chr1:53,210,552, plus strand): 5'-TGAAGTACATTCTCTCAGACAGCAGCCCCGCCCCCGAGTTTCCCCTGGCATACCTGACCA[G>A]TGAGAACCGAGACATCTGGGCAGAGCTCAGGCAGAAGCTGATGAGTAGTGGCAATGAGGA-3'
Protein context (NP_000089.1, residues 283-303): APEFPLAYLT[Ser293Asn]ENRDIWAELR

ClinVar aggregate classification (germline): Uncertain significance (1 of 4 stars; one submission).

Conditions:
Carnitine palmitoyltransferase II deficiency. Also called: Carnitine Palmitoyltransferase 2 Deficiency. Identifiers: Orphanet 157, MedGen C0342790, MONDO:0015515.

Allele frequency attached by ClinVar (database versions not stated): gnomAD exomes below 0.00001; ExAC 0.00002.
gnomAD v4.1: 2 of 1,614,198 alleles (0.00012%); highest among the groups gnomAD compares: East Asian, 0.0045%; no homozygotes.

Submission:

Labcorp Genetics (formerly Invitae), Labcorp
Classification: Uncertain significance for Carnitine palmitoyltransferase II deficiency. Last evaluated: 2026-01-19. Review status: criteria provided, single submitter. Criteria: Invitae Variant Classification Sherloc (09022015). Collection method: clinical testing. Allele origin: germline.
Comment: This sequence change replaces serine, which is neutral and polar, with asparagine, which is neutral and polar, at codon 293 of the CPT2 protein (p.Ser293Asn). This variant is present in population databases (rs774859940, gnomAD 0.01%). This variant has not been reported in the literature in individuals affected with CPT2-related conditions. ClinVar contains an entry for this variant (Variation ID: 1721974). Invitae Evidence Modeling of protein sequence and biophysical properties (such as structural, functional, and spatial information, amino acid conservation, physicochemical variation, residue mobility, and thermodynamic stability) has been performed for this missense variant. However, the output from this modeling did not meet the statistical confidence thresholds required to predict the impact of this variant on CPT2 protein function. In summary, the available evidence is currently insufficient to determine the role of this variant in disease. Therefore, it has been classified as a Variant of Uncertain Significance.